The following is an entry in ClinVar:

NM_001365536.1(SCN9A):c.4367T>C (p.Ile1456Thr)

Genes: SCN1A-AS1 (SCN1A and SCN9A antisense RNA 1; plus strand), SCN9A (sodium voltage-gated channel alpha subunit 9; minus strand). Cytogenetic location: 2q24.3.
Variant type: single nucleotide variant.
Coding change: c.4367T>C on transcript NM_001365536.1 (MANE Select); coding-DNA position 4367, T replaced by C.
Protein change: p.Ile1456Thr; replaces isoleucine 1456 with threonine.
Molecular consequence: missense variant.
Genome position (GRCh38, 1-based): chr2:166,226,598, A>G on the plus strand (T>C on the coding strand, the complement: SCN9A is on the minus strand). VCF-style: chr2-166226598-A-G. GRCh37 (hg19) VCF-style: chr2-167083108-A-G.
Other names: c.4334T>C, p.Ile1445Thr (NM_002977.4); short protein forms I1456T, I1445T.
Identifiers: ClinVar variation 2121031 (VCV002121031.4), dbSNP rs1694849832, ClinGen allele CA349061888.

ClinVar aggregate classification (germline): Uncertain significance (1 of 4 stars; one submission).

Conditions:
Neuropathy, hereditary sensory and autonomic, type 2A (HSAN2A). Also called: WNK1-Related HSAN2 (HSAN2A); MORVAN DISEASE; ACROOSTEOLYSIS, GIACCAI TYPE; ACROOSTEOLYSIS, NEUROGENIC; NEUROPATHY, CONGENITAL SENSORY; NEUROPATHY, HEREDITARY SENSORY RADICULAR, AUTOSOMAL RECESSIVE. Identifiers: Orphanet 970, MedGen C2752089, MONDO:0024309, OMIM 201300.
Generalized epilepsy with febrile seizures plus, type 7 (GEFSP7). Also called: GEFS+, TYPE 7. Identifiers: Orphanet 36387, MedGen C2751778, MONDO:0013470, OMIM 613863.

Allele frequency attached by ClinVar (database versions not stated): TOPMed below 0.00001.

Submission:

Labcorp Genetics (formerly Invitae), Labcorp
Classification: Uncertain significance for Neuropathy, hereditary sensory and autonomic, type 2A; Generalized epilepsy with febrile seizures plus, type 7. Last evaluated: 2022-04-03. Review status: criteria provided, single submitter. Criteria: Invitae Variant Classification Sherloc (09022015). Collection method: clinical testing. Allele origin: germline.
Comment: In summary, the available evidence is currently insufficient to determine the role of this variant in disease. Therefore, it has been classified as a Variant of Uncertain Significance. Algorithms developed to predict the effect of missense changes on protein structure and function (SIFT, PolyPhen-2, Align-GVGD) all suggest that this variant is likely to be disruptive. This variant has not been reported in the literature in individuals affected with SCN9A-related conditions. This variant is not present in population databases (gnomAD no frequency). This sequence change replaces isoleucine, which is neutral and non-polar, with threonine, which is neutral and polar, at codon 1445 of the SCN9A protein (p.Ile1445Thr).